The following is an entry in ClinVar:

NM_004304.5(ALK):c.504C>G (p.Phe168Leu)

Gene: ALK (ALK receptor tyrosine kinase; minus strand). Cytogenetic location: 2p23.1.
Variant type: single nucleotide variant.
Coding change: c.504C>G on transcript NM_004304.5 (MANE Select); coding-DNA position 504, C replaced by G.
Protein change: p.Phe168Leu; replaces phenylalanine 168 with leucine.
Molecular consequence: missense variant.
Genome position (GRCh38, 1-based): chr2:29,920,156, G>C on the plus strand (C>G on the coding strand, the complement: ALK is on the minus strand). VCF-style: chr2-29920156-G-C. GRCh37 (hg19) VCF-style: chr2-30143022-G-C.
Other names: short protein forms F168L.
Identifiers: ClinVar variation 3523383 (VCV003523383.1).

ClinVar aggregate classification (germline): Uncertain significance (1 of 4 stars; one submission).

Conditions:
Hereditary cancer-predisposing syndrome. Also called: Hereditary Cancer Syndrome; Hereditary neoplastic syndrome; Tumor predisposition; Neoplastic Syndromes, Hereditary. Identifiers: Orphanet 140162, MedGen C0027672, MeSH D009386, MONDO:0015356.

Submission:

Ambry Genetics
Classification: Uncertain significance for Hereditary cancer-predisposing syndrome. Last evaluated: 2024-10-21. Review status: criteria provided, single submitter. Criteria: Ambry Variant Classification Scheme 2023. Collection method: clinical testing. Allele origin: germline.
Comment: The p.F168L variant (also known as c.504C>G), located in coding exon 1 of the ALK gene, results from a C to G substitution at nucleotide position 504. The phenylalanine at codon 168 is replaced by leucine, an amino acid with highly similar properties. This amino acid position is conserved. In addition, the in silico prediction for this alteration is inconclusive. Based on the available evidence, the clinical significance of this variant remains unclear.